The following is an entry in ClinVar:

NM_007294.4(BRCA1):c.3811A>G (p.Ser1271Gly)

Genes: BRCA1 (BRCA1 DNA repair associated; minus strand), LOC126862571 (BRD4-independent group 4 enhancer GRCh37_chr17:41243136-41244335; plus strand). Cytogenetic location: 17q21.31.
Variant type: single nucleotide variant.
Coding change: c.3811A>G on transcript NM_007294.4 (MANE Select); coding-DNA position 3811, A replaced by G.
Protein change: p.Ser1271Gly; replaces serine 1271 with glycine.
Molecular consequence: missense variant. On other transcripts: intron variant (135).
Genome position (GRCh38, 1-based): chr17:43,091,720, T>C on the plus strand (A>G on the coding strand, the complement: BRCA1 is on the minus strand). VCF-style: chr17-43091720-T-C. GRCh37 (hg19) VCF-style: chr17-41243737-T-C.
Other names: c.647-688A>G (NM_001408453.1, NM_001408461.1, NM_001408467.1 and 11 more transcripts); c.785-688A>G (NM_001408397.1, NM_001408401.1, NM_001408396.1 and 13 more transcripts); c.665-688A>G (NM_001408436.1, NM_001408444.1, NM_001408438.1 and 12 more transcripts); c.788-688A>G (NM_001407980.1, NM_001407993.1, NM_001407976.1 and 17 more transcripts); c.653-688A>G (NM_001408451.1); c.644-688A>G (NM_001408464.1, NM_001408468.1, NM_001408470.1 and 3 more transcripts); c.524-688A>G (NM_001408498.1, NM_001408501.1, NM_001408500.1 and 3 more transcripts); c.461-688A>G (NM_001408506.1, NM_001408507.1); and 41 more; short protein forms S1224G, S1271G, S1103G, S1144G, S1159G, S1201G, S1229G, S1245G.
Identifiers: ClinVar variation 1007721 (VCV001007721.12), dbSNP rs2053519524, ClinGen allele CA10594346.

ClinVar aggregate classification (germline): Conflicting classifications of pathogenicity. Review status: criteria provided, conflicting classifications (1 of 4 stars). 2 submissions from 2 submitters: Uncertain significance (1); Likely benign (1). Last evaluated 2023-03-23.

Conditions:
Hereditary breast ovarian cancer syndrome. Also called: BRCA1- and BRCA2-Associated Hereditary Breast and Ovarian Cancer; Hereditary breast and ovarian cancer; Hereditary breast and ovarian cancer syndrome; Breast and ovarian cancer; Hereditary breast and/or ovarian cancer syndrome; Hereditary breast and ovarian cancer syndrome (HBOC). Identifiers: Orphanet 145, MedGen C0677776, MeSH D061325, MONDO:0003582. Disease mechanism: loss of function.
Hereditary cancer-predisposing syndrome. Also called: Tumor predisposition; Hereditary neoplastic syndrome; Neoplastic Syndromes, Hereditary; Hereditary Cancer Syndrome. Identifiers: Orphanet 140162, MedGen C0027672, MeSH D009386, MONDO:0015356.

Submissions (2):

University of Washington Department of Laboratory Medicine, University of Washington
Classification: Likely benign for Hereditary cancer-predisposing syndrome. Last evaluated: 2023-03-23. Review status: criteria provided, single submitter. Criteria: Dines et al. (Genet Med. 2020). Collection method: curation. Allele origin: germline.
Comment: Missense variant in a coldspot region where missense variants are very unlikely to be pathogenic (PMID:31911673).

BRCA1 coldspot (exon 11 using historical exon numbering). Reclassification based on statistical prior probability

Labcorp Genetics (formerly Invitae), Labcorp
Classification: Uncertain significance for Hereditary breast ovarian cancer syndrome. Last evaluated: 2020-07-15. Review status: criteria provided, single submitter. Criteria: Invitae Variant Classification Sherloc (09022015). Collection method: clinical testing. Allele origin: germline.
Comment: In summary, the available evidence is currently insufficient to determine the role of this variant in disease. Therefore, it has been classified as a Variant of Uncertain Significance. Algorithms developed to predict the effect of missense changes on protein structure and function (SIFT, PolyPhen-2, Align-GVGD) all suggest that this variant is likely to be tolerated, but these predictions have not been confirmed by published functional studies and their clinical significance is uncertain. This variant has not been reported in the literature in individuals with BRCA1-related conditions. This variant is not present in population databases (ExAC no frequency). This sequence change replaces serine with glycine at codon 1271 of the BRCA1 protein (p.Ser1271Gly). The serine residue is moderately conserved and there is a small physicochemical difference between serine and glycine.